The following is an entry in ClinVar:

NM_005051.3(QARS1):c.570+1G>A

Gene: QARS1 (glutaminyl-tRNA synthetase 1; minus strand). Cytogenetic location: 3p21.31.
Variant type: single nucleotide variant.
Coding change: c.570+1G>A on transcript NM_005051.3 (MANE Select); the canonical splice donor site of the intron after coding-DNA position 570, G replaced by A.
Molecular consequence: splice donor variant.
Genome position (GRCh38, 1-based): chr3:49,102,418, C>T on the plus strand (G>A on the coding strand, the complement: QARS1 is on the minus strand). VCF-style: chr3-49102418-C-T. GRCh37 (hg19) VCF-style: chr3-49139851-C-T.
Other names: c.537+1G>A (NM_001272073.2).
Identifiers: ClinVar variation 1485404 (VCV001485404.8), dbSNP rs2107108875, ClinGen allele CA352716680.

ClinVar aggregate classification (germline): Likely pathogenic (1 of 4 stars; one submission).

Conditions:
Diffuse cerebral and cerebellar atrophy - intractable seizures - progressive microcephaly syndrome. Also called: Microcephaly, progressive, with seizures and cerebral and cerebellar atrophy. Identifiers: Orphanet 404437, MedGen C4014239, MONDO:0014335, OMIM 615760.

gnomAD v4.1: 6 of 1,614,178 alleles (0.00037%); highest among the groups gnomAD compares: African/African-American, 0.0027%; no homozygotes.

Submission:

Labcorp Genetics (formerly Invitae), Labcorp
Classification: Likely pathogenic for Diffuse cerebral and cerebellar atrophy - intractable seizures - progressive microcephaly syndrome. Last evaluated: 2023-08-17. Review status: criteria provided, single submitter. Criteria: Invitae Variant Classification Sherloc (09022015). Collection method: clinical testing. Allele origin: germline.
Comment: In summary, the currently available evidence indicates that the variant is pathogenic, but additional data are needed to prove that conclusively. Therefore, this variant has been classified as Likely Pathogenic. This sequence change affects a donor splice site in intron 6 of the QARS gene. It is expected to disrupt RNA splicing. Variants that disrupt the donor or acceptor splice site typically lead to a loss of protein function (PMID: 16199547), and loss-of-function variants in QARS are known to be pathogenic (PMID: 24656866, 25471517). This variant is not present in population databases (gnomAD no frequency). This variant has not been reported in the literature in individuals affected with QARS-related conditions. ClinVar contains an entry for this variant (Variation ID: 1485404). Algorithms developed to predict the effect of sequence changes on RNA splicing suggest that this variant may disrupt the consensus splice site.

Literature cited by the submitters: PubMed 16199547; PubMed 24656866; PubMed 25471517.